The following is an entry in ClinVar:

NM_012309.5(SHANK2):c.4986G>A (p.Pro1662=)

Gene: SHANK2 (SH3 and multiple ankyrin repeat domains 2; minus strand). Cytogenetic location: 11q13.3.
Variant type: single nucleotide variant.
Coding change: c.4986G>A on transcript NM_012309.5 (MANE Select); coding-DNA position 4986, G replaced by A.
Protein change: p.Pro1662=; no amino-acid change (proline 1662 retained).
Molecular consequence: synonymous variant. On other transcripts: non-coding transcript variant (1).
Genome position (GRCh38, 1-based): chr11:70,473,433, C>T on the plus strand (G>A on the coding strand, the complement: SHANK2 is on the minus strand). VCF-style: chr11-70473433-C-T. GRCh37 (hg19) VCF-style: chr11-70319538-C-T.
Other names: c.3849G>A, p.Pro1283= (NM_001379226.1); c.3222G>A, p.Pro1074= (NM_133266.5).
Identifiers: ClinVar variation 385923 (VCV000385923.7), dbSNP rs139247945, ClinGen allele CA6160791.
Genomic context (GRCh38, chr11:70,473,433, plus strand): 5'-GGGGCGAACAGTGAAGGTGACCGTCGTGCTCCGTGTACCTGAGATGGTGCTCATGATCTC[C>T]GGGCTTCTGAAACAGCAACACAGAGAAAACCATCACAAGGCAGGTCACCGAGTCAGGGCA-3'
Protein context (NP_036441.2, residues 1652-1672): AKSASLAPRS[Pro1662=]EIMSTISGTR

ClinVar aggregate classification (germline): Likely benign. Review status: criteria provided, multiple submitters, no conflicts (2 of 4 stars). 2 submissions from 2 submitters: Likely benign (2). Last evaluated 2025-11-01.

Allele frequency attached by ClinVar (database versions not stated): ExAC 0.00013; gnomAD 0.00013 and 0.00014; gnomAD exomes 0.00013 and 0.00017; ESP Exome Variant Server 0.00015; TOPMed 0.00022.
gnomAD v4.1: 265 of 1,602,804 alleles (0.017%); highest among the groups gnomAD compares: Admixed American, 0.043%; no homozygotes.

Submissions (2):

CeGaT Center for Human Genetics Tuebingen
Classification: Likely benign. Last evaluated: 2025-11-01. Review status: criteria provided, single submitter. Criteria: CeGaT Center For Human Genetics Tuebingen Variant Classification Criteria Version 2. Collection method: clinical testing. Allele origin: germline. Affected: yes. Observed: 1 variant allele.
Comment: SHANK2: BP4, BP7

GeneDx
Classification: Likely benign. Last evaluated: 2016-05-02. Review status: criteria provided, single submitter. Criteria: GeneDx Variant Classification (06012015). Collection method: clinical testing. Allele origin: germline. Affected: yes.
Comment: This variant is considered likely benign or benign based on one or more of the following criteria: it is a conservative change, it occurs at a poorly conserved position in the protein, it is predicted to be benign by multiple in silico algorithms, and/or has population frequency not consistent with disease.